The following is an entry in ClinVar:

ClinVar aggregate classification (germline): Pathogenic. Review status: reviewed by expert panel (3 of 4 stars). 10 submissions from 10 submitters: Pathogenic (1). 9 of the submissions do not count toward it. Last evaluated 2015-08-10.

Conditions:
Hereditary cancer-predisposing syndrome. Also called: Tumor predisposition; Neoplastic Syndromes, Hereditary; Hereditary Cancer Syndrome; Hereditary neoplastic syndrome. Identifiers: Orphanet 140162, MedGen C0027672, MeSH D009386, MONDO:0015356.
Hereditary breast ovarian cancer syndrome. Also called: Hereditary breast and ovarian cancer syndrome (HBOC); Hereditary breast and ovarian cancer syndrome; Hereditary breast and ovarian cancer; Hereditary breast and/or ovarian cancer syndrome; Breast and ovarian cancer; BRCA1- and BRCA2-Associated Hereditary Breast and Ovarian Cancer. Identifiers: Orphanet 145, MedGen C0677776, MeSH D061325, MONDO:0003582. Disease mechanism: loss of function.
Breast-ovarian cancer, familial, susceptibility to, 1 (BROVCA1). Also called: OVARIAN CANCER, SUSCEPTIBILITY TO; BRCA1 Hereditary Breast and Ovarian Cancer. Identifiers: Orphanet 145, MedGen C2676676, MONDO:0011450, OMIM 604370. Disease mechanism: loss of function.

Submissions (11):

Evidence-based Network for the Interpretation of Germline Mutant Alleles (ENIGMA)
Classification: Pathogenic for Breast-ovarian cancer, familial 1. Last evaluated: 2015-08-10. Review status: reviewed by expert panel. Criteria: ENIGMA BRCA1/2 Classification Criteria (2015). Collection method: curation. Allele origin: germline.
Comment: IARC class based on posterior probability from multifactorial likelihood analysis, thresholds for class as per Plon et al. 2008 (PMID: 18951446). Class 5 based on posterior probability = 0.995

Labcorp Genetics (formerly Invitae), Labcorp
Classification: Pathogenic for Hereditary breast ovarian cancer syndrome. Last evaluated: 2025-08-30. Review status: criteria provided, single submitter. Criteria: Invitae Variant Classification Sherloc (09022015). Collection method: clinical testing. Allele origin: germline. Not counted in ClinVar's aggregate classification.
Comment: This sequence change replaces histidine, which is basic and polar, with arginine, which is basic and polar, at codon 41 of the BRCA1 protein (p.His41Arg). This variant is not present in population databases (gnomAD no frequency). This missense change has been observed in individual(s) with breast and/or ovarian cancer (PMID: 15168169, 24489791). It has also been observed to segregate with disease in related individuals. ClinVar contains an entry for this variant (Variation ID: 54166). Invitae Evidence Modeling incorporating data from in vitro experimental studies (PMID: 30209399) indicates that this missense variant is expected to disrupt BRCA1 function with a positive predictive value of 95%. Experimental studies have shown that this missense change affects BRCA1 function (PMID: 16403807, 20103620, 21725363, 22843421, 23161852, 25823446, 30209399). For these reasons, this variant has been classified as Pathogenic.

Ambry Genetics
Classification: Pathogenic for Hereditary cancer-predisposing syndrome. Last evaluated: 2025-06-26. Review status: criteria provided, single submitter. Criteria: Ambry Variant Classification Scheme 2023. Collection method: clinical testing. Allele origin: germline. Not counted in ClinVar's aggregate classification.
Comment: The p.H41R pathogenic mutation (also known as c.122A>G), located in coding exon 2 of the BRCA1 gene, results from an A to G substitution at nucleotide position 122. The histidine at codon 41 is replaced by arginine, an amino acid with highly similar properties. This histidine is crucial in coordinating the Zinc atom, which controls the structure of the functionally important RING domain (Brzovic PS et al. Nat. Struct. Biol. 2001 Oct; 8(10):833-7; Brzovic PS et al. Proc. Natl. Acad. Sci. U.S.A. 2003 May; 100(10):5646-51). Several independent functional assays demonstrate that although this alteration may not disrupt binding of BRCA1 to BARD1, it significantly impacts its ubiquitin ligase activity, homology directed recombination activity, single strand annealing abilities and significantly increased centrosome amplification (Morris JR et al. Hum. Mol. Genet. 2006 Feb; 15(4):599-606; Ransburgh DJ et al. Cancer Res. 2010 Feb; 70(3):988-95; Towler WI et al. Hum. Mutat. 2013 Mar; 34(3):439-45; Caleca L et al. Cancers (Basel), 2019 Jan;11; Starita LM et al. Genetics, 2015 Jun;200:413-22; Starita LM et al. Am. J. Hum. Genet., 2018 Oct;103:498-508). In support of these defects being inconsistent with normal BRCA1 function, a high throughput genome editing haploid cell survival assay also found this alteration deleterious (Findlay GM et al. Nature, 2018 10;562:217-222). In a study that used multifactorial likelihood analysis to assess the pathogenicity of BRCA1/2 variants, this variant was considered pathogenic with a posterior probability of pathogenicity of 0.995, largely attributable to a strong co-segregation likelihood ratio (Whiley PJ et al. PLoS ONE 2014; 9(1):e86836; Park KS et al. Genet. Med., 2016 12;18:1250-1257). This variant is considered to be rare based on population cohorts in the Genome Aggregation Database (gnomAD). This amino acid position is highly conserved in available vertebrate species. In addition, this alteration is predicted to be deleterious by in silico analysis. Based on the majority of available evidence to date, this alteration is interpreted as a disease-causing mutation.

Women's Health and Genetics/Laboratory Corporation of America, LabCorp
Classification: Pathogenic for Hereditary breast ovarian cancer syndrome. Last evaluated: 2024-02-26. Review status: criteria provided, single submitter. Criteria: LabCorp Variant Classification Summary - May 2015. Collection method: clinical testing. Allele origin: germline. Not counted in ClinVar's aggregate classification.
Comment: Variant summary: BRCA1 c.122A>G (p.His41Arg) results in a non-conservative amino acid change located in the Zinc finger, RING-type (IPR001841) of the encoded protein sequence. Five of five in-silico tools predict a damaging effect of the variant on protein function. The variant was absent in 250784 control chromosomes. c.122A>G has been reported in the literature in individuals affected with Hereditary Breast And Ovarian Cancer Syndrome (Whiley_2014, Kawahara_2004, Tung_2015). These data indicate that the variant is likely to be associated with disease. Functional studies reported that this variant showed abrogated function in the homology directed repair assay, abrogated ubiquitin ligase and weak BARD1 binding activity (Morris_2006, Towler_2013, Ransburgh_2010). The following publications have been ascertained in the context of this evaluation (PMID: 16267036, 23161852, 15168169, 24489791, 16403807, 20103620, 25186627). ClinVar contains an entry for this variant (Variation ID: 54166). Based on the evidence outlined above, the variant was classified as pathogenic.

Baylor Genetics
Classification: Pathogenic for Breast-ovarian cancer, familial, susceptibility to, 1. Last evaluated: 2023-02-14. Review status: criteria provided, single submitter. Criteria: ACMG Guidelines, 2015. Collection method: clinical testing. Allele origin: unknown. Not counted in ClinVar's aggregate classification.

Clinical Genetics and Genomics, Karolinska University Hospital
Classification: Pathogenic. Last evaluated: 2019-12-12. Review status: criteria provided, single submitter. Criteria: ACMG Guidelines, 2015. Collection method: clinical testing. Allele origin: germline. Affected: yes. Observed: 1 variant allele. Not counted in ClinVar's aggregate classification.

Quest Diagnostics Nichols Institute San Juan Capistrano
Classification: Likely pathogenic. Last evaluated: 2016-08-22. Review status: criteria provided, single submitter. Criteria: Quest Diagnostics criteria. Collection method: clinical testing. Allele origin: germline. Not counted in ClinVar's aggregate classification.

GeneDx
Classification: Pathogenic. Last evaluated: 2016-05-24. Review status: criteria provided, single submitter. Criteria: GeneDx Variant Classification (06012015). Collection method: clinical testing. Allele origin: germline. Affected: yes. Not counted in ClinVar's aggregate classification.
Comment: This pathogenic variant is denoted BRCA1 c.122A>G at the cDNA level, p.His41Arg (H41R) at the protein level, and results in the change of a Histidine to an Arginine (CAC>CGC). Using alternate nomenclature, this pathogenic variant would be defined as BRCA1 241A>G. This variant has been observed in at least one individual with breast cancer (Kawahara 2004). BRCA1 His41Arg has been associated with weakened BARD1 binding, centrosome amplification, and inhibition of ubiquitin ligase, single strand annealing (SSA), and homology directed recombination (HDR) activities (Morris 2006, Ransburgh 2010, Kais 2012, Towler 2013). Additionally, this variant was predicted to be pathogenic by a multifactorial model based on tumor pathology, segregation, and in silico analyses (Whiley 2014). BRCA1 His41Arg was not observed in approximately 6,500 individuals of European and African American ancestry in the NHLBI Exome Sequencing Project, suggesting it is not a common benign variant in these populations. Since Histidine and Arginine share similar properties, this is considered a conservative amino acid substitution. BRCA1 His41Arg occurs at a position that is conserved in mammals and at an important zinc-ligating residue located within the RING domain and the binding domains of BARD1 and BRD7 (Narod 2004, Borg 2010, Harte 2010, Paul 2014). In silico analyses predict that this pathogenic variant is probably damaging to protein structure and function. The Evidence-based Network for the Interpretation of Germline Mutant Alleles (ENIGMA) expert panel classifies this variant as pathogenic (ClinVar). Based on currently available evidence, we consider this variant to be pathogenic.

Consortium of Investigators of Modifiers of BRCA1/2 (CIMBA), c/o University of Cambridge
Classification: Pathogenic for Breast-ovarian cancer, familial, susceptibility to, 1. Last evaluated: 2015-10-02. Review status: criteria provided, single submitter. Criteria: CIMBA Mutation Classification guidelines May 2016. Collection method: clinical testing. Allele origin: germline. Not counted in ClinVar's aggregate classification.

Breast Cancer Information Core (BIC) (BRCA1)
Classification: Uncertain significance for Breast-ovarian cancer, familial 1. Last evaluated: 2004-02-20. Review status: no assertion criteria provided. Collection method: clinical testing. Allele origin: germline. Affected: yes. Observed: 2 variant alleles. Not counted in ClinVar's aggregate classification.

Brotman Baty Institute, University of Washington
No classification provided (evidence only). Condition: Breast-ovarian cancer, familial 1. Review status: no classification provided. Collection method: in vitro. Allele origin: not applicable. Functional consequence: functionally_abnormal. Not counted in ClinVar's aggregate classification.
ClinVar note: "not provided" was previously submitted as the classification for the variant. However, the classification appeared to be based only on an observation of functional data so it was converted to no classification on 2025-07-30.

Literature cited by the submitters: PubMed 24212087 (cited by Evidence-based Network for the Interpretation of Germline Mutant Alleles (ENIGMA)); PubMed 15168169 (cited by 3 submitters); PubMed 24489791 (cited by 4 submitters); PubMed 30209399 (cited by Labcorp Genetics (formerly Invitae), Labcorp and Ambry Genetics); PubMed 16403807 (cited by 4 submitters); PubMed 20103620 (cited by 4 submitters); PubMed 21725363 (cited by Labcorp Genetics (formerly Invitae), Labcorp and Ambry Genetics); PubMed 22843421 (cited by Labcorp Genetics (formerly Invitae), Labcorp); PubMed 23161852 (cited by 4 submitters); PubMed 25823446 (cited by Labcorp Genetics (formerly Invitae), Labcorp and Ambry Genetics); PubMed 11573085 (cited by Ambry Genetics); PubMed 12732733 (cited by Ambry Genetics); PubMed 18951446 (cited by Ambry Genetics); PubMed 27124784 (cited by Ambry Genetics); PubMed 29446198 (cited by Ambry Genetics); PubMed 30219179 (cited by Ambry Genetics); PubMed 30474649 (cited by Ambry Genetics); PubMed 30696104 (cited by Ambry Genetics); PubMed 16267036 (cited by Women's Health and Genetics/Laboratory Corporation of America, LabCorp); PubMed 25186627 (cited by Women's Health and Genetics/Laboratory Corporation of America, LabCorp).

NM_007294.4(BRCA1):c.122A>G (p.His41Arg)

Gene: BRCA1 (BRCA1 DNA repair associated; minus strand). Cytogenetic location: 17q21.31.
Variant type: single nucleotide variant.
Coding change: c.122A>G on transcript NM_007294.4 (MANE Select); coding-DNA position 122, A replaced by G.
Protein change: p.His41Arg; replaces histidine 41 with arginine.
Molecular consequence: missense variant. On other transcripts: non-coding transcript variant (1), intron variant (1).
Genome position (GRCh38, 1-based): chr17:43,115,738, T>C on the plus strand (A>G on the coding strand, the complement: BRCA1 is on the minus strand). VCF-style: chr17-43115738-T-C. GRCh37 (hg19) VCF-style: chr17-41267755-T-C.
Other names: 241A>G; c.-67A>G (NM_001407571.1, NM_001407853.1, NM_001407879.1 and 52 more transcripts); c.122A>G, p.His41Arg (NM_001407581.1, NM_001407582.1, NM_001407583.1 and 192 more transcripts); c.-136A>G (NM_001407694.1, NM_001407696.1, NM_001407724.1 and 13 more transcripts); c.-140A>G (NM_001407695.1, NM_001408465.1); c.-20A>G (NM_001407697.1, NM_001407725.1, NM_001407728.1 and 47 more transcripts); c.-16A>G (NM_001407841.1); c.-183A>G (NM_001407889.1, NM_001407900.1, NM_001408492.1); and 3 more; short protein forms H41R.
Identifiers: ClinVar variation 54166 (VCV000054166.27), dbSNP rs80357276, ClinGen allele CA000805.